The following is an entry in ClinVar:

NM_020297.4(ABCC9):c.2339+119C>T

Gene: ABCC9 (ATP binding cassette subfamily C member 9; minus strand). Cytogenetic location: 12p12.1.
Variant type: single nucleotide variant.
Coding change: c.2339+119C>T on transcript NM_020297.4 (MANE Select); 119 bases into the intron after coding-DNA position 2339, C replaced by T.
Molecular consequence: intron variant.
Genome position (GRCh38, 1-based): chr12:21,862,834, G>A on the plus strand (C>T on the coding strand, the complement: ABCC9 is on the minus strand). VCF-style: chr12-21862834-G-A. GRCh37 (hg19) VCF-style: chr12-22015768-G-A.
Other names: c.1472+119C>T (NM_001377274.1); c.2339+119C>T (NM_005691.4, NM_001377273.1).
Identifiers: ClinVar variation 673006 (VCV000673006.1), dbSNP rs704193, ClinGen allele CA13683565.

ClinVar aggregate classification (germline): Benign (1 of 4 stars; one submission).

Allele frequency attached by ClinVar (database versions not stated): gnomAD exomes 0.31048; gnomAD 0.32612 and 0.32725; TOPMed 0.34037; 1000 Genomes Project 0.37181; 1000 Genomes Project 30x 0.37196.
gnomAD v4.1: 220,746 of 702,446 alleles (31%); highest among the groups gnomAD compares: Admixed American, 41%; 35,708 homozygotes.

Submission:

GeneDx
Classification: Benign. Last evaluated: 2018-06-15. Review status: criteria provided, single submitter. Criteria: GeneDx Variant Classification (06012015). Collection method: clinical testing. Allele origin: germline. Affected: yes.
Comment: This variant is considered likely benign or benign based on one or more of the following criteria: it is a conservative change, it occurs at a poorly conserved position in the protein, it is predicted to be benign by multiple in silico algorithms, and/or has population frequency not consistent with disease.